The following is an entry in ClinVar:

ClinVar aggregate classification (germline): Likely pathogenic (1 of 4 stars; one submission).

Conditions:
Retinoblastoma (RB1). Also called: RETINOBLASTOMA, SOMATIC. Identifiers: Orphanet 790, MedGen C0035335, MeSH D012175, MONDO:0008380, OMIM 180200, HP:0009919. Disease mechanism: loss of function. Inheritance: Both sporadic and heritable forms are tested..

Submission:

St. Jude Molecular Pathology, St. Jude Children's Research Hospital
Classification: Likely pathogenic for Retinoblastoma. Last evaluated: 2026-02-11. Review status: criteria provided, single submitter. Criteria: St. Jude Assertion Criteria 2020. Collection method: clinical testing. Allele origin: germline.
Comment: The RB1 c.2326-14T>A intronic change results in a T to A substitution at the -14 position of intron 22 of the RB1 gene. This variant is predicted to result in aberrant splicing, resulting in an abnormal protein product. This variant has been reported in individuals with retinoblastoma (PMID: 35577019, internal data). It is also absent in gnomAD v2.1.1. In summary, this variant meets criteria to be classified as likely pathogenic.

NM_000321.3(RB1):c.2326-14T>A

Gene: RB1 (RB transcriptional corepressor 1; plus strand). Cytogenetic location: 13q14.2.
Variant type: single nucleotide variant.
Coding change: c.2326-14T>A on transcript NM_000321.3 (MANE Select); 14 bases into the intron before coding-DNA position 2326, T replaced by A.
Molecular consequence: intron variant.
Genome position (GRCh38, 1-based): chr13:48,465,191, T>A. VCF-style: chr13-48465191-T-A. GRCh37 (hg19) VCF-style: chr13-49039327-T-A.
Other names: c.2326-14T>A (NM_001407165.1).
Identifiers: ClinVar variation 4813171 (VCV004813171.1).
Genomic context (GRCh38, chr13:48,465,191, plus strand): 5'-TGATTGGAAAAATCTAATGTAATGGGTCCACCAAAACATTAAATAAATAATCTACTTTTT[T>A]GTTTTTGCTCTAGCCCCCTACCTTGTCACCAATACCTCACATTCCTCGAAGCCCTTACAA-3'